The following is an entry in ClinVar:

ClinVar aggregate classification (germline): Pathogenic. Review status: criteria provided, multiple submitters, no conflicts (2 of 4 stars). 3 submissions from 3 submitters: Pathogenic (3). Last evaluated 2026-09-04.

Conditions:
Fanconi anemia complementation group O. Also called: RAD51C-Related Fanconi Anemia. Identifiers: Orphanet 84, MedGen C3150653, MONDO:0013248, OMIM 613390.
Breast-ovarian cancer, familial, susceptibility to, 3. Also called: RAD51C-Related Breast/Ovarian Cancer. Identifiers: Orphanet 145, MedGen C3150659, MONDO:0013253, OMIM 613399.
Hereditary cancer-predisposing syndrome. Also called: Hereditary Cancer Syndrome; Tumor predisposition; Neoplastic Syndromes, Hereditary; Hereditary neoplastic syndrome. Identifiers: Orphanet 140162, MedGen C0027672, MeSH D009386, MONDO:0015356.

Submissions (3):

Ambry Genetics
Classification: Pathogenic for Hereditary cancer-predisposing syndrome. Last evaluated: 2026-09-04. Review status: criteria provided, single submitter. Criteria: Ambry Variant Classification Scheme 2023. Collection method: clinical testing. Allele origin: germline.
Comment: The c.502dupA pathogenic mutation, located in coding exon 3 of the RAD51C gene, results from a duplication of A at nucleotide position 502, causing a translational frameshift with a predicted alternate stop codon (p.R168Kfs*35). This variant is considered to be rare based on population cohorts in the Genome Aggregation Database (gnomAD). This alteration is expected to result in loss of function by premature protein truncation or nonsense-mediated mRNA decay. As such, this alteration is interpreted as a disease-causing mutation.

Labcorp Genetics (formerly Invitae), Labcorp
Classification: Pathogenic for Fanconi anemia complementation group O. Last evaluated: 2024-10-30. Review status: criteria provided, single submitter. Criteria: Invitae Variant Classification Sherloc (09022015). Collection method: clinical testing. Allele origin: germline.
Comment: This sequence change creates a premature translational stop signal (p.Arg168Lysfs*35) in the RAD51C gene. It is expected to result in an absent or disrupted protein product. Loss-of-function variants in RAD51C are known to be pathogenic (PMID: 20400964, 21990120, 24800917, 29278735). This variant is not present in population databases (gnomAD no frequency). This variant has not been reported in the literature in individuals affected with RAD51C-related conditions. ClinVar contains an entry for this variant (Variation ID: 1453095). For these reasons, this variant has been classified as Pathogenic.

Myriad Genetics, Inc.
Classification: Pathogenic for Breast-ovarian cancer, familial, susceptibility to, 3. Last evaluated: 2023-05-31. Review status: criteria provided, single submitter. Criteria: Myriad Autosomal Dominant, Autosomal Recessive and X-Linked Classification Criteria (2023). Collection method: clinical testing. Allele origin: unknown.
Comment: This variant is considered pathogenic. This variant creates a frameshift predicted to result in premature protein truncation.

Literature cited by the submitters: PubMed 20400964 (cited by Labcorp Genetics (formerly Invitae), Labcorp); PubMed 21990120 (cited by Labcorp Genetics (formerly Invitae), Labcorp); PubMed 24800917 (cited by Labcorp Genetics (formerly Invitae), Labcorp); PubMed 29278735 (cited by Labcorp Genetics (formerly Invitae), Labcorp).

NM_058216.3(RAD51C):c.502dup (p.Arg168fs)

Gene: RAD51C (RAD51 paralog C; plus strand). Cytogenetic location: 17q22.
Variant type: Duplication.
Coding change: c.502dup on transcript NM_058216.3 (MANE Select); coding-DNA position 502, one base duplicated (A; older notation c.502dupA).
Protein change: p.Arg168fs; shifts the reading frame from arginine 168.
Molecular consequence: frameshift variant.
Genome position (GRCh38, 1-based): chr17:58,696,790, A duplicated. VCF-style (leftmost placement, unchanged base first): chr17-58696789-T-TA. GRCh37 (hg19) VCF-style: chr17-56774150-T-TA.
Other names: c.502dupA (NM_058216.1); short protein forms R168fs.
Identifiers: ClinVar variation 1453095 (VCV001453095.10), dbSNP rs2143747561, ClinGen allele CA2573154421.